The following is an entry in ClinVar:

NM_001396959.1(TBC1D1):c.745G>A (p.Glu249Lys)

Gene: TBC1D1 (TBC1 domain family member 1; plus strand). Cytogenetic location: 4p14.
Variant type: single nucleotide variant.
Coding change: c.745G>A on transcript NM_001396959.1 (MANE Select); coding-DNA position 745, G replaced by A.
Protein change: p.Glu249Lys; replaces glutamic acid 249 with lysine.
Molecular consequence: missense variant.
Genome position (GRCh38, 1-based): chr4:38,014,836, G>A. VCF-style: chr4-38014836-G-A. GRCh37 (hg19) VCF-style: chr4-38016457-G-A.
Other names: c.745G>A, p.Glu249Lys (NM_001253912.2, NM_015173.4); short protein forms E249K.
Identifiers: ClinVar variation 5000991 (VCV005000991.1).

ClinVar aggregate classification (germline): Uncertain significance (1 of 4 stars; one submission).

Conditions:
TBC1D1-related disorder. Also called: TBC1D1-related condition.

gnomAD v4.1: 3 of 1,612,232 alleles (0.00019%); highest among the groups gnomAD compares: Non-Finnish European, 0.00025%; no homozygotes.

Submission:

PreventionGenetics, part of Exact Sciences
Classification: Uncertain significance for TBC1D1-related condition. Last evaluated: 2025-03-08. Review status: criteria provided, single submitter. Criteria: ACMG Guidelines, 2015. Collection method: clinical testing. Allele origin: germline.
Comment: The TBC1D1 c.745G>A variant is predicted to result in the amino acid substitution p.Glu249Lys. To our knowledge, this variant has not been reported in the literature. This variant is reported in 0.00089% of alleles in individuals of European (Non-Finnish) descent in gnomAD. At this time, the clinical significance of this variant is uncertain due to the absence of conclusive functional and genetic evidence.